The following is an entry in ClinVar:

ClinVar aggregate classification (germline): Uncertain significance (1 of 4 stars; one submission).

Conditions:
Ataxia-telangiectasia syndrome (AT). Also called: Ataxia-telangiectasia; LOUIS-BAR SYNDROME; Ataxia-telangiectasia, complementation group D; AT, COMPLEMENTATION GROUP C; ATAXIA-TELANGIECTASIA, COMPLEMENTATION GROUP A; ATAXIA-TELANGIECTASIA, FRESNO VARIANT. Identifiers: Orphanet 100, MedGen C0004135, MONDO:0008840, OMIM 208900.

Submission:

Labcorp Genetics (formerly Invitae), Labcorp
Classification: Uncertain significance for Ataxia-telangiectasia syndrome. Last evaluated: 2024-10-18. Review status: criteria provided, single submitter. Criteria: Invitae Variant Classification Sherloc (09022015). Collection method: clinical testing. Allele origin: germline.
Comment: This sequence change replaces glutamine, which is neutral and polar, with arginine, which is basic and polar, at codon 2896 of the ATM protein (p.Gln2896Arg). This variant is not present in population databases (gnomAD no frequency). This variant has not been reported in the literature in individuals affected with ATM-related conditions. ClinVar contains an entry for this variant (Variation ID: 1382708). Invitae Evidence Modeling of protein sequence and biophysical properties (such as structural, functional, and spatial information, amino acid conservation, physicochemical variation, residue mobility, and thermodynamic stability) has been performed for this missense variant. However, the output from this modeling did not meet the statistical confidence thresholds required to predict the impact of this variant on ATM protein function. In summary, the available evidence is currently insufficient to determine the role of this variant in disease. Therefore, it has been classified as a Variant of Uncertain Significance.

NM_000051.4(ATM):c.8687A>G (p.Gln2896Arg)

Genes: ATM (ATM serine/threonine kinase; plus strand), C11orf65 (chromosome 11 open reading frame 65; minus strand). Cytogenetic location: 11q22.3.
Variant type: single nucleotide variant.
Coding change: c.8687A>G on transcript NM_000051.4 (MANE Select); coding-DNA position 8687, A replaced by G.
Protein change: p.Gln2896Arg; replaces glutamine 2896 with arginine.
Molecular consequence: missense variant. On other transcripts: intron variant (2).
Genome position (GRCh38, 1-based): chr11:108,353,781, A>G. VCF-style: chr11-108353781-A-G. GRCh37 (hg19) VCF-style: chr11-108224508-A-G.
Other names: c.8687A>G, p.Gln2896Arg (NM_001351834.2); c.640+32139T>C (NM_001330368.2); c.695-18489T>C (NM_001351110.2); short protein forms Q2896R.
Identifiers: ClinVar variation 1382708 (VCV001382708.6), dbSNP rs2089494486, ClinGen allele CA382523600.